The following is an entry in ClinVar:

ClinVar aggregate classification (germline): Uncertain significance. Review status: criteria provided, multiple submitters, no conflicts (2 of 4 stars). 2 submissions from 2 submitters: Uncertain significance (2). Last evaluated 2024-12-19.

Conditions:
Hereditary cancer-predisposing syndrome. Also called: Neoplastic Syndromes, Hereditary; Tumor predisposition; Hereditary neoplastic syndrome; Hereditary Cancer Syndrome. Identifiers: Orphanet 140162, MedGen C0027672, MeSH D009386, MONDO:0015356.

Submissions (2):

Ambry Genetics
Classification: Uncertain significance for Hereditary cancer-predisposing syndrome. Last evaluated: 2024-12-19. Review status: criteria provided, single submitter. Criteria: Ambry Variant Classification Scheme 2023. Collection method: clinical testing. Allele origin: germline.
Comment: The p.F1286C variant (also known as c.3857T>G), located in coding exon 25 of the RAD50 gene, results from a T to G substitution at nucleotide position 3857. The phenylalanine at codon 1286 is replaced by cysteine, an amino acid with highly dissimilar properties. This amino acid position is highly conserved in available vertebrate species. In addition, this alteration is predicted to be deleterious by in silico analysis. Since supporting evidence is limited at this time, the clinical significance of this alteration remains unclear.

Labcorp Genetics (formerly Invitae), Labcorp
Classification: Uncertain significance for Hereditary cancer-predisposing syndrome. Last evaluated: 2022-07-19. Review status: criteria provided, single submitter. Criteria: Invitae Variant Classification Sherloc (09022015). Collection method: clinical testing. Allele origin: germline.
Comment: In summary, the available evidence is currently insufficient to determine the role of this variant in disease. Therefore, it has been classified as a Variant of Uncertain Significance. Algorithms developed to predict the effect of missense changes on protein structure and function are either unavailable or do not agree on the potential impact of this missense change (SIFT: "Deleterious"; PolyPhen-2: "Probably Damaging"; Align-GVGD: "Class C0"). ClinVar contains an entry for this variant (Variation ID: 824309). This variant has not been reported in the literature in individuals affected with RAD50-related conditions. This variant is not present in population databases (gnomAD no frequency). This sequence change replaces phenylalanine, which is neutral and non-polar, with cysteine, which is neutral and slightly polar, at codon 1286 of the RAD50 protein (p.Phe1286Cys).

NM_005732.4(RAD50):c.3857T>G (p.Phe1286Cys)

Genes: TH2LCRR (T helper type 2 locus control region associated RNA; minus strand), RAD50 (RAD50 double strand break repair protein; plus strand). Cytogenetic location: 5q31.1.
Variant type: single nucleotide variant.
Coding change: c.3857T>G on transcript NM_005732.4 (MANE Select); coding-DNA position 3857, T replaced by G.
Protein change: p.Phe1286Cys; replaces phenylalanine 1286 with cysteine.
Molecular consequence: missense variant. On other transcripts: non-coding transcript variant (1).
Genome position (GRCh38, 1-based): chr5:132,642,282, T>G. VCF-style: chr5-132642282-T-G. GRCh37 (hg19) VCF-style: chr5-131977974-T-G.
Other names: short protein forms F1286C.
Identifiers: ClinVar variation 824309 (VCV000824309.15), dbSNP rs587781369, ClinGen allele CA360936965.